The following is an entry in ClinVar:

NM_016373.4(WWOX):c.961G>C (p.Val321Leu)

Gene: WWOX (WW domain containing oxidoreductase; plus strand). Cytogenetic location: 16q23.1.
Variant type: single nucleotide variant.
Coding change: c.961G>C on transcript NM_016373.4 (MANE Select); coding-DNA position 961, G replaced by C.
Protein change: p.Val321Leu; replaces valine 321 with leucine.
Molecular consequence: missense variant.
Genome position (GRCh38, 1-based): chr16:78,432,657, G>C. VCF-style: chr16-78432657-G-C. GRCh37 (hg19) VCF-style: chr16-78466554-G-C.
Other names: c.622G>C, p.Val208Leu (NM_001291997.2); short protein forms V321L, V208L.
Identifiers: ClinVar variation 1466560 (VCV001466560.6), dbSNP rs2081146962, ClinGen allele CA396843349.
Genomic context (GRCh38, chr16:78,432,657, plus strand): 5'-ATCCTCTTCTCCAACGAGCTGCACCGTCGCCTCTCCCCACGCGGGGTCACGTCGAACGCA[G>C]TGCATCCTGGAAATATGATGTACTCCAACATTCATCGCAGCTGGTGGGTGTACACACTGC-3'
Protein context (NP_057457.1, residues 311-331): LSPRGVTSNA[Val321Leu]HPGNMMYSNI

ClinVar aggregate classification (germline): Uncertain significance (1 of 4 stars; one submission).

Conditions:
Autosomal recessive spinocerebellar ataxia 12. Also called: SPINOCEREBELLAR ATAXIA WITH MENTAL RETARDATION AND EPILEPSY. Identifiers: Orphanet 284282, MedGen C3280452, MONDO:0013687, OMIM 614322.
Developmental and epileptic encephalopathy, 1 (DEE1). Also called: INFANTILE SPASM SYNDROME, X-LINKED 1; OHTAHARA SYNDROME, X-LINKED; X-linked infantile spasms; West's syndrome; Tonic spasms with clustering, arrest of psychomotor development and hypsarrhythmia on EEG; X-Linked Infantile Spasm Syndrome. Identifiers: MedGen C3463992, MONDO:0010632, OMIM 308350. Disease mechanism: loss of function.

gnomAD v4.1: 2 of 1,614,196 alleles (0.00012%); highest among the groups gnomAD compares: East Asian, 0.0022%; no homozygotes.

Submission:

Labcorp Genetics (formerly Invitae), Labcorp
Classification: Uncertain significance for Developmental and epileptic encephalopathy, 1; Autosomal recessive spinocerebellar ataxia 12. Last evaluated: 2020-11-26. Review status: criteria provided, single submitter. Criteria: Invitae Variant Classification Sherloc (09022015). Collection method: clinical testing. Allele origin: germline.
Comment: Algorithms developed to predict the effect of missense changes on protein structure and function output the following: SIFT: "Not Available"; PolyPhen-2: "Benign"; Align-GVGD: "Not Available". The leucine amino acid residue is found in multiple mammalian species, suggesting that this missense change does not adversely affect protein function. These predictions have not been confirmed by published functional studies and their clinical significance is uncertain. This variant has not been reported in the literature in individuals with WWOX-related conditions. This variant is not present in population databases (ExAC no frequency). This sequence change replaces valine with leucine at codon 321 of the WWOX protein (p.Val321Leu). The valine residue is moderately conserved and there is a small physicochemical difference between valine and leucine. In summary, the available evidence is currently insufficient to determine the role of this variant in disease. Therefore, it has been classified as a Variant of Uncertain Significance.